The following is an entry in ClinVar:

ClinVar aggregate classification (germline): Uncertain significance. Review status: criteria provided, multiple submitters, no conflicts (2 of 4 stars). 3 submissions from 3 submitters: Uncertain significance (3). Last evaluated 2022-10-24.

Allele frequency attached by ClinVar (database versions not stated): gnomAD 0.00001; gnomAD exomes 0.00001 and 0.00004; TOPMed 0.00003.
gnomAD v4.1: 8 of 1,532,158 alleles (0.00052%); highest among the groups gnomAD compares: Admixed American, 0.016%; no homozygotes.

Submissions (3):

Labcorp Genetics (formerly Invitae), Labcorp
Classification: Uncertain significance. Last evaluated: 2022-10-24. Review status: criteria provided, single submitter. Criteria: Invitae Variant Classification Sherloc (09022015). Collection method: clinical testing. Allele origin: germline.
Comment: This sequence change replaces leucine, which is neutral and non-polar, with arginine, which is basic and polar, at codon 865 of the PDZD7 protein (p.Leu865Arg). This variant is present in population databases (no rsID available, gnomAD 0.02%). This missense change has been observed in individual(s) with clinical features of nonsyndromic deafness and/or deafness (Invitae). It has also been observed to segregate with disease in related individuals. ClinVar contains an entry for this variant (Variation ID: 1020569). Advanced modeling of protein sequence and biophysical properties (such as structural, functional, and spatial information, amino acid conservation, physicochemical variation, residue mobility, and thermodynamic stability) performed at Invitae indicates that this missense variant is not expected to disrupt PDZD7 protein function. In summary, the available evidence is currently insufficient to determine the role of this variant in disease. Therefore, it has been classified as a Variant of Uncertain Significance.

Blueprint Genetics
Classification: Uncertain significance. Last evaluated: 2022-09-05. Review status: criteria provided, single submitter. Criteria: ACMG Guidelines, 2015. Collection method: clinical testing. Allele origin: germline.

GeneDx
Classification: Uncertain significance. Last evaluated: 2021-08-19. Review status: criteria provided, single submitter. Criteria: GeneDx Variant Classification Process June 2021. Collection method: clinical testing. Allele origin: germline. Affected: yes.
Comment: In silico analysis supports that this missense variant has a deleterious effect on protein structure/function; Has not been previously published as pathogenic or benign to our knowledge

NM_001195263.2(PDZD7):c.2594T>G (p.Leu865Arg)

Gene: PDZD7 (PDZ domain containing 7; minus strand). Cytogenetic location: 10q24.31.
Variant type: single nucleotide variant.
Coding change: c.2594T>G on transcript NM_001195263.2 (MANE Select); coding-DNA position 2594, T replaced by G.
Protein change: p.Leu865Arg; replaces leucine 865 with arginine.
Molecular consequence: missense variant.
Genome position (GRCh38, 1-based): chr10:101,010,295, A>C on the plus strand (T>G on the coding strand, the complement: PDZD7 is on the minus strand). VCF-style: chr10-101010295-A-C. GRCh37 (hg19) VCF-style: chr10-102770052-A-C.
Other names: short protein forms L865R.
Identifiers: ClinVar variation 1020569 (VCV001020569.6), dbSNP rs1187930402, ClinGen allele CA378223785.